The following is an entry in ClinVar:

ClinVar aggregate classification (germline): Likely benign. Review status: criteria provided, multiple submitters, no conflicts (2 of 4 stars). 6 submissions from 6 submitters: Likely benign (6). Last evaluated 2026-04-03.

Conditions:
Marfan syndrome (MFS). Also called: MARFAN SYNDROME, TYPE I; FBN1-Related Marfan Syndrome; Marfan syndrome type 1; Marfan's syndrome; Marfan syndrome, classic. Identifiers: Orphanet 284963, Orphanet 558, MedGen C0024796, MONDO:0007947, OMIM 154700.
Familial thoracic aortic aneurysm and aortic dissection (TAAD). Also called: Thoracic aortic aneurysms and dissections. Identifiers: Orphanet 91387, MedGen C4707243, MONDO:0019625.
FBN1-related disorder. Also called: FBN1-related disorders.

Allele frequency attached by ClinVar (database versions not stated): gnomAD exomes 0.00002; gnomAD 0.00003; TOPMed 0.00004; ESP Exome Variant Server 0.00008.
gnomAD v4.1: 35 of 1,612,948 alleles (0.0022%); highest among the groups gnomAD compares: Middle Eastern, 0.019%; no homozygotes.

Submissions (6):

PreventionGenetics, part of Exact Sciences
Classification: Likely benign for FBN1-related condition. Last evaluated: 2026-04-03. Review status: criteria provided, single submitter. Criteria: ACMG Guidelines, 2015. Collection method: clinical testing. Allele origin: germline.
Comment: This variant is classified as likely benign based on ACMG/AMP sequence variant interpretation guidelines (Richards et al. 2015 PMID: 25741868, with internal and published modifications).

Labcorp Genetics (formerly Invitae), Labcorp
Classification: Likely benign for Marfan syndrome; Familial thoracic aortic aneurysm and aortic dissection. Last evaluated: 2025-11-23. Review status: criteria provided, single submitter. Criteria: Invitae Variant Classification Sherloc (09022015). Collection method: clinical testing. Allele origin: germline.

All of Us Research Program, National Institutes of Health
Classification: Likely benign for Marfan syndrome. Last evaluated: 2023-11-20. Review status: criteria provided, single submitter. Criteria: ACMG Guidelines, 2015. Collection method: clinical testing. Allele origin: germline. Inheritance: Autosomal dominant inheritance. Observed: 3 variant alleles, 3 heterozygotes.
Comment: This study involves interpretation of variants in research participants for the purpose of population health screening. Participant phenotype was not available at the time of variant classification. Additional details can be found in publication PMID: 35346344, PMCID: PMC8962531

Ambry Genetics
Classification: Likely benign for Familial thoracic aortic aneurysm and aortic dissection. Last evaluated: 2022-09-17. Review status: criteria provided, single submitter. Criteria: Ambry Variant Classification Scheme 2023. Collection method: clinical testing. Allele origin: germline.

GeneDx
Classification: Likely benign. Last evaluated: 2021-03-04. Review status: criteria provided, single submitter. Criteria: GeneDx Variant Classification Process June 2021. Collection method: clinical testing. Allele origin: germline. Affected: yes.

Color Diagnostics, LLC DBA Color Health
Classification: Likely benign for Familial thoracic aortic aneurysm and aortic dissection. Last evaluated: 2019-06-04. Review status: criteria provided, single submitter. Criteria: ACMG Guidelines, 2015. Collection method: clinical testing. Allele origin: germline.

NM_000138.5(FBN1):c.8616A>G (p.Ter2872=)

Gene: FBN1 (fibrillin 1; minus strand). Cytogenetic location: 15q21.1.
Variant type: single nucleotide variant.
Coding change: c.8616A>G on transcript NM_000138.5 (MANE Select); coding-DNA position 8616, A replaced by G.
Protein change: p.Ter2872=.
Molecular consequence: synonymous variant.
Genome position (GRCh38, 1-based): chr15:48,410,990, T>C on the plus strand (A>G on the coding strand, the complement: FBN1 is on the minus strand). VCF-style: chr15-48410990-T-C. GRCh37 (hg19) VCF-style: chr15-48703187-T-C.
Identifiers: ClinVar variation 457272 (VCV000457272.18), dbSNP rs374499193, ClinGen allele CA269518589.
Genomic context (GRCh38, chr15:48,410,990, plus strand): 5'-ATATAGTTCTACCTATCTATATTTGTTTTTCTTTTAATTATTTGGTCTCTGGATGGTGAA[T>C]TAATGAAGCAAAACCTGGATTTTCATCTTCAGATTATCACCCAGTTCACCACTGAGGTAG-3'